The following is an entry in ClinVar:

ClinVar aggregate classification (germline): Uncertain significance (1 of 4 stars; one submission).

Allele frequency attached by ClinVar (database versions not stated): ExAC 0.00002.
gnomAD v4.1: 14 of 1,613,852 alleles (0.00087%); highest among the groups gnomAD compares: African/African-American, 0.0013%; no homozygotes.

Submission:

Labcorp Genetics (formerly Invitae), Labcorp
Classification: Uncertain significance. Last evaluated: 2025-05-18. Review status: criteria provided, single submitter. Criteria: Invitae Variant Classification Sherloc (09022015). Collection method: clinical testing. Allele origin: germline.
Comment: This sequence change creates a premature translational stop signal (p.Arg4576*) in the HMCN1 gene. It is expected to result in an absent or disrupted protein product. However, the current clinical and genetic evidence is not sufficient to establish whether loss-of-function variants in HMCN1 cause disease. This variant is present in population databases (rs762367427, gnomAD 0.004%). This variant has not been reported in the literature in individuals affected with HMCN1-related conditions. ClinVar contains an entry for this variant (Variation ID: 1926431). In summary, the available evidence is currently insufficient to determine the role of this variant in disease. Therefore, it has been classified as a Variant of Uncertain Significance.

NM_031935.3(HMCN1):c.13726C>T (p.Arg4576Ter)

Gene: HMCN1 (hemicentin 1; plus strand). Cytogenetic location: 1q31.1.
Variant type: single nucleotide variant.
Coding change: c.13726C>T on transcript NM_031935.3 (MANE Select); coding-DNA position 13726, C replaced by T.
Protein change: p.Arg4576Ter; replaces arginine 4576 with a stop codon.
Molecular consequence: nonsense.
Genome position (GRCh38, 1-based): chr1:186,137,641, C>T. VCF-style: chr1-186137641-C-T. GRCh37 (hg19) VCF-style: chr1-186106773-C-T.
Other names: short protein forms R4576*.
Identifiers: ClinVar variation 1926431 (VCV001926431.5), dbSNP rs762367427, ClinGen allele CA1294716.